The following is an entry in ClinVar:

NM_006506.5(RASA2):c.2062A>C (p.Asn688His)

Gene: RASA2 (RAS p21 protein activator 2; plus strand). Cytogenetic location: 3q23.
Variant type: single nucleotide variant.
Coding change: c.2062A>C on transcript NM_006506.5 (MANE Select); coding-DNA position 2062, A replaced by C.
Protein change: p.Asn688His; replaces asparagine 688 with histidine.
Molecular consequence: missense variant.
Genome position (GRCh38, 1-based): chr3:141,608,534, A>C. VCF-style: chr3-141608534-A-C. GRCh37 (hg19) VCF-style: chr3-141327376-A-C.
Other names: c.2065A>C, p.Asn689His (NM_001303245.3); c.2074A>C, p.Asn692His (NM_001303246.3); short protein forms N688H, N692H, N689H.
Identifiers: ClinVar variation 3786970 (VCV003786970.1).

ClinVar aggregate classification (germline): Uncertain significance (1 of 4 stars; one submission).

Submission:

Ambry Genetics
Classification: Uncertain significance. Last evaluated: 2025-01-10. Review status: criteria provided, single submitter. Criteria: Ambry Variant Classification Scheme 2023. Collection method: clinical testing. Allele origin: germline.
Comment: The p.N688H variant (also known as c.2062A>C), located in coding exon 21 of the RASA2 gene, results from an A to C substitution at nucleotide position 2062. The asparagine at codon 688 is replaced by histidine, an amino acid with similar properties. This amino acid position is conserved. In addition, this alteration is predicted to be tolerated by in silico analysis. Based on the available evidence, the clinical significance of this variant remains unclear.